The following is an entry in ClinVar:

NM_003865.3(HESX1):c.200G>C (p.Ser67Thr)

Gene: HESX1 (HESX homeobox 1; minus strand). Cytogenetic location: 3p14.3.
Variant type: single nucleotide variant.
Coding change: c.200G>C on transcript NM_003865.3 (MANE Select); coding-DNA position 200, G replaced by C.
Protein change: p.Ser67Thr; replaces serine 67 with threonine.
Molecular consequence: missense variant.
Genome position (GRCh38, 1-based): chr3:57,198,910, C>G on the plus strand (G>C on the coding strand, the complement: HESX1 is on the minus strand). VCF-style: chr3-57198910-C-G. GRCh37 (hg19) VCF-style: chr3-57232938-C-G.
Other names: short protein forms S67T.
Identifiers: ClinVar variation 289279 (VCV000289279.37), dbSNP rs141863326, ClinGen allele CA2463301.
Genomic context (GRCh38, chr3:57,198,910, plus strand): 5'-TATTTCGAAGCTCTTTCTTCTGGCATTGGGTGATCCACCACGCTAGGGAATGAAATCCCA[C>G]TGGGAGGATTTGGGACATGTAGACATAAGTTACCATCTTTCCCTAAAAACAAAAAAATAA-3'
Protein context (NP_003856.1, residues 57-77): NLCLHVPNPP[Ser67Thr]GISFPSVVDH

ClinVar aggregate classification (germline): Uncertain significance. Review status: criteria provided, multiple submitters, no conflicts (2 of 4 stars). 7 submissions from 7 submitters: Uncertain significance (7). Last evaluated 2026-09-07.

Conditions:
HESX1-related disorder. Also called: HESX1-related condition.
GROWTH HORMONE DEFICIENCY WITH PITUITARY ANOMALIES. Identifiers: MedGen C2750027, OMIM 182230.
Septo-optic dysplasia sequence (SOD). Also called: Septo-optic dysplasia; DE MORSIER SYNDROME. Identifiers: Orphanet 3157, MedGen C0338503, MONDO:0008428, OMIM 182230, HP:0100842.

Allele frequency attached by ClinVar (database versions not stated): TOPMed 0.00017; ESP Exome Variant Server 0.00023; 1000 Genomes Project 0.00040; 1000 Genomes Project 30x 0.00047.

Submissions (7):

GeneDx
Classification: Uncertain significance. Last evaluated: 2026-09-07. Review status: criteria provided, single submitter. Criteria: GeneDx Variant Classification Process June 2021. Collection method: clinical testing. Allele origin: germline.
Comment: Observed in the heterozygous state without an identified second variant in HESX1 in an individual with growth hormone deficiency and pituitary abnormalities, but also identified in unaffected family members (PMID: 21270112); In silico analysis supports that this missense variant does not alter protein structure/function; In silico analysis suggests this variant may impact gene splicing. In the absence of RNA/functional studies, the actual effect of this sequence change is unknown.; This variant is associated with the following publications: (PMID: 21270112)

Labcorp Genetics (formerly Invitae), Labcorp
Classification: Uncertain significance for GROWTH HORMONE DEFICIENCY WITH PITUITARY ANOMALIES; Septo-optic dysplasia sequence. Last evaluated: 2025-10-28. Review status: criteria provided, single submitter. Criteria: Invitae Variant Classification Sherloc (09022015). Collection method: clinical testing. Allele origin: germline.
Comment: This sequence change replaces serine, which is neutral and polar, with threonine, which is neutral and polar, at codon 67 of the HESX1 protein (p.Ser67Thr). This variant is present in population databases (rs141863326, gnomAD 0.06%). This missense change has been observed in individual(s) with clinical features of autosomal dominant septo-optic dysplasia (PMID: 21270112). ClinVar contains an entry for this variant (Variation ID: 289279). An algorithm developed to predict the effect of missense changes on protein structure and function (PolyPhen-2) suggests that this variant is likely to be tolerated. Experimental studies have shown that this missense change does not substantially affect HESX1 function (PMID: 22466334). In summary, the available evidence is currently insufficient to determine the role of this variant in disease. Therefore, it has been classified as a Variant of Uncertain Significance.

Blueprint Genetics
Classification: Uncertain significance. Last evaluated: 2024-11-25. Review status: criteria provided, single submitter. Criteria: ACMG Guidelines, 2015. Collection method: clinical testing. Allele origin: germline.

PreventionGenetics, part of Exact Sciences
Classification: Uncertain significance for HESX1-related condition. Last evaluated: 2024-11-05. Review status: criteria provided, single submitter. Criteria: ACMG Guidelines, 2015. Collection method: clinical testing. Allele origin: germline.
Comment: The HESX1 c.200G>C variant is predicted to result in the amino acid substitution p.Ser67Thr. This variant has been reported in an individual with a HESX1 related disorder, but was not observed to segregate with disease (Reynaud et al. 2011. PubMed ID: 21270112). This variant is reported in 0.062% of alleles in individuals of South Asian descent in gnomAD. Although we suspect that this variant may be benign, at this time, the clinical significance of this variant is uncertain due to the absence of conclusive functional and genetic evidence.

CeGaT Center for Human Genetics Tuebingen
Classification: Uncertain significance. Last evaluated: 2024-01-01. Review status: criteria provided, single submitter. Criteria: CeGaT Center For Human Genetics Tuebingen Variant Classification Criteria Version 2. Collection method: clinical testing. Allele origin: germline. Affected: yes. Observed: 1 variant allele.
Comment: HESX1: PM2

Eurofins Ntd Llc (ga)
Classification: Uncertain significance. Last evaluated: 2016-07-13. Review status: criteria provided, single submitter. Criteria: EGL Classification Definitions 2015. Collection method: clinical testing. Allele origin: germline. Observed: 1 variant allele, 1 heterozygote.

Seattle Children's Hospital Molecular Genetics Laboratory, Seattle Children's Hospital
Classification: Uncertain significance. Review status: criteria provided, single submitter. Criteria: ACMG Guidelines, 2015. Collection method: clinical testing. Allele origin: germline. Affected: yes.
Comment: The HESX1 p.Ser67Thr variant has been reported in the medical literature. An individual who carries the p.Ser67Thr variant was reported to have clinical features of pituitary stalk interruption syndrome (thin or absent pituitary stalk and abnormal posterior lobe hypersignal in the sella turcica) and anterior pituitary hormone deficits including growth hormone deficit, consistent with CPHD (PMID: 21270112, 22466334). The HESX1 p.Ser67Thr variant is observed in large population studies (55 of 282,556 alleles, gnomAD v2.1.1). In vitro studies performed with the p.Ser67Thr variant did not show an impact on HESX1 function (PMID: 22466334). The p.Ser67 residue is not highly conserved and is not located in a known protein domain. Most in silico tools predict that the p.Ser67Thr variant is neutral.

Literature cited by the submitters: PubMed 21270112 (cited by Labcorp Genetics (formerly Invitae), Labcorp); PubMed 22466334 (cited by Labcorp Genetics (formerly Invitae), Labcorp).